The following is an entry in ClinVar:

NM_016616.5(NME8):c.60G>C (p.Trp20Cys)

Gene: NME8 (NME/NM23 family member 8; plus strand). Cytogenetic location: 7p14.1.
Variant type: single nucleotide variant.
Coding change: c.60G>C on transcript NM_016616.5 (MANE Select); coding-DNA position 60, G replaced by C.
Protein change: p.Trp20Cys; replaces tryptophan 20 with cysteine.
Molecular consequence: missense variant.
Genome position (GRCh38, 1-based): chr7:37,850,404, G>C. VCF-style: chr7-37850404-G-C. GRCh37 (hg19) VCF-style: chr7-37890006-G-C.
Other names: short protein forms W20C.
Identifiers: ClinVar variation 2765398 (VCV002765398.3), dbSNP rs757570040, ClinGen allele CA367219000.

ClinVar aggregate classification (germline): Uncertain significance (1 of 4 stars; one submission).

Conditions:
Primary ciliary dyskinesia 6. Also called: Primary Ciliary Dyskinesia 6: TXNDC3-Related Primary Ciliary Dyskinesia. Identifiers: Orphanet 244, MedGen C1970506, MONDO:0012571, OMIM 610852.

Submission:

Labcorp Genetics (formerly Invitae), Labcorp
Classification: Uncertain significance for Primary ciliary dyskinesia 6. Last evaluated: 2023-10-04. Review status: criteria provided, single submitter. Criteria: Invitae Variant Classification Sherloc (09022015). Collection method: clinical testing. Allele origin: germline.
Comment: This sequence change replaces tryptophan, which is neutral and slightly polar, with cysteine, which is neutral and slightly polar, at codon 20 of the NME8 protein (p.Trp20Cys). This variant is not present in population databases (gnomAD no frequency). This variant has not been reported in the literature in individuals affected with NME8-related conditions. Advanced modeling of protein sequence and biophysical properties (such as structural, functional, and spatial information, amino acid conservation, physicochemical variation, residue mobility, and thermodynamic stability) performed at Invitae indicates that this missense variant is expected to disrupt NME8 protein function. In summary, the available evidence is currently insufficient to determine the role of this variant in disease. Therefore, it has been classified as a Variant of Uncertain Significance.